The following is an entry in ClinVar:

ClinVar aggregate classification (germline): Benign/Likely benign. Review status: criteria provided, multiple submitters, no conflicts (2 of 4 stars). 4 submissions from 4 submitters: Benign (1); Likely benign (2). 1 of the submissions does not count toward it. Last evaluated 2026-05-01.

Conditions:
TEX11-related disorder. Also called: TEX11-related condition.

Allele frequency attached by ClinVar (database versions not stated): gnomAD 0.00015; ExAC 0.00021; gnomAD exomes 0.00025 and 0.00026; TOPMed 0.00025.
gnomAD v4.1: 310 of 1,207,826 alleles (0.026%); highest among the groups gnomAD compares: Middle Eastern, 0.37%; no homozygotes.

Submissions (4):

CeGaT Center for Human Genetics Tuebingen
Classification: Likely benign. Last evaluated: 2026-05-01. Review status: criteria provided, single submitter. Criteria: CeGaT Center For Human Genetics Tuebingen Variant Classification Criteria Version 2. Collection method: clinical testing. Allele origin: germline. Affected: yes. Observed: 2 variant alleles.
Comment: TEX11: BP4

Mendelics
Classification: Benign. Last evaluated: 2022-05-04. Review status: criteria provided, single submitter. Criteria: Mendelics Assertion Criteria 2019. Collection method: clinical testing. Allele origin: germline.

Labcorp Genetics (formerly Invitae), Labcorp
Classification: Likely benign. Last evaluated: 2020-08-05. Review status: criteria provided, single submitter. Criteria: Invitae Variant Classification Sherloc (09022015). Collection method: clinical testing. Allele origin: germline.

PreventionGenetics, part of Exact Sciences
Classification: Benign for TEX11-related condition. Last evaluated: 2024-09-04. Review status: no assertion criteria provided. Collection method: clinical testing. Allele origin: germline. Not counted in ClinVar's aggregate classification.
Comment: This variant is classified as benign based on ACMG/AMP sequence variant interpretation guidelines (Richards et al. 2015 PMID: 25741868, with internal and published modifications).

NM_031276.3(TEX11):c.2243T>C (p.Val748Ala)

Gene: TEX11 (testis expressed 11; minus strand). Cytogenetic location: Xq13.1.
Variant type: single nucleotide variant.
Coding change: c.2243T>C on transcript NM_031276.3 (MANE Select); coding-DNA position 2243, T replaced by C.
Protein change: p.Val748Ala; replaces valine 748 with alanine.
Molecular consequence: missense variant.
Genome position (GRCh38, 1-based): chrX:70,554,698, A>G on the plus strand (T>C on the coding strand, the complement: TEX11 is on the minus strand). VCF-style: chrX-70554698-A-G. GRCh37 (hg19) VCF-style: chrX-69774548-A-G.
Other names: c.2288T>C, p.Val763Ala (NM_001003811.2); short protein forms V748A, V763A.
Identifiers: ClinVar variation 981147 (VCV000981147.19), dbSNP rs200139216, ClinGen allele CA10442502.